The following is an entry in ClinVar:

ClinVar aggregate classification (germline): Likely benign. Review status: criteria provided, multiple submitters, no conflicts (2 of 4 stars). 2 submissions from 2 submitters: Likely benign (2). Last evaluated 2026-01-19.

Conditions:
Neuronal ceroid lipofuscinosis. Also called: Neuronal Ceroid Lipofuscinoses. Identifiers: Orphanet 216, Orphanet 79263, MedGen C0027877, MONDO:0016295. Disease mechanism: loss of function.

Allele frequency attached by ClinVar (database versions not stated): TOPMed 0.00002.

Submissions (2):

Labcorp Genetics (formerly Invitae), Labcorp
Classification: Likely benign for Neuronal ceroid lipofuscinosis. Last evaluated: 2026-01-19. Review status: criteria provided, single submitter. Criteria: Invitae Variant Classification Sherloc (09022015). Collection method: clinical testing. Allele origin: germline.

GeneDx
Classification: Likely benign. Last evaluated: 2016-01-19. Review status: criteria provided, single submitter. Criteria: GeneDx Variant Classification (06012015). Collection method: clinical testing. Allele origin: germline. Affected: yes.
Comment: This variant is considered likely benign or benign based on one or more of the following criteria: it is a conservative change, it occurs at a poorly conserved position in the protein, it is predicted to be benign by multiple in silico algorithms, and/or has population frequency not consistent with disease.

NM_001909.5(CTSD):c.1071+12A>T

Gene: CTSD (cathepsin D; minus strand). Cytogenetic location: 11p15.5.
Variant type: single nucleotide variant.
Coding change: c.1071+12A>T on transcript NM_001909.5 (MANE Select); 12 bases into the intron after coding-DNA position 1071, A replaced by T.
Molecular consequence: intron variant.
Genome position (GRCh38, 1-based): chr11:1,753,791, T>A on the plus strand (A>T on the coding strand, the complement: CTSD is on the minus strand). VCF-style: chr11-1753791-T-A. GRCh37 (hg19) VCF-style: chr11-1775021-T-A.
Identifiers: ClinVar variation 379067 (VCV000379067.4), dbSNP rs113936232, ClinGen allele CA16606890.